The following is an entry in ClinVar:

ClinVar aggregate classification (germline): Uncertain significance. Review status: criteria provided, single submitter (1 of 4 stars). 2 submissions from 2 submitters: Uncertain significance (1). 1 of the submissions does not count toward it. Last evaluated 2023-12-17.

Conditions:
ZFPM2-related disorder. Also called: ZFPM2-related condition.
46,XY sex reversal 9 (SRXY9). Also called: 46,XY SEX REVERSAL, ZFPM2-RELATED. Identifiers: Orphanet 251510, MedGen C4015129, MONDO:0014480, OMIM 616067.

Allele frequency attached by ClinVar (database versions not stated): TOPMed 0.00002.
gnomAD v4.1: 31 of 1,613,390 alleles (0.0019%); highest among the groups gnomAD compares: Middle Eastern, 0.049%; 1 homozygote.

Submissions (2):

Labcorp Genetics (formerly Invitae), Labcorp
Classification: Uncertain significance for 46,XY sex reversal 9. Last evaluated: 2023-12-17. Review status: criteria provided, single submitter. Criteria: Invitae Variant Classification Sherloc (09022015). Collection method: clinical testing. Allele origin: germline.
Comment: This sequence change replaces aspartic acid, which is acidic and polar, with glutamic acid, which is acidic and polar, at codon 891 of the ZFPM2 protein (p.Asp891Glu). This variant is present in population databases (rs567353284, gnomAD 0.01%). This variant has not been reported in the literature in individuals affected with ZFPM2-related conditions. An algorithm developed to predict the effect of missense changes on protein structure and function (PolyPhen-2) suggests that this variant is likely to be tolerated. In summary, the available evidence is currently insufficient to determine the role of this variant in disease. Therefore, it has been classified as a Variant of Uncertain Significance.

PreventionGenetics, part of Exact Sciences
Classification: Uncertain significance for ZFPM2-related condition. Last evaluated: 2024-02-27. Review status: no assertion criteria provided. Collection method: clinical testing. Allele origin: germline. Not counted in ClinVar's aggregate classification.
Comment: The ZFPM2 c.2673C>G variant is predicted to result in the amino acid substitution p.Asp891Glu. To our knowledge, this variant has not been reported in the literature. This variant is reported in 0.012% of alleles in individuals of Latino descent in gnomAD. At this time, the clinical significance of this variant is uncertain due to the absence of conclusive functional and genetic evidence.

NM_012082.4(ZFPM2):c.2673C>G (p.Asp891Glu)

Genes: ZFPM2 (zinc finger protein, FOG family member 2; plus strand), ZFPM2-AS1 (ZFPM2 antisense RNA 1; minus strand), LOC126860469 (BRD4-independent group 4 enhancer GRCh37_chr8:106814445-106815644; plus strand). Cytogenetic location: 8q23.1.
Variant type: single nucleotide variant.
Coding change: c.2673C>G on transcript NM_012082.4 (MANE Select); coding-DNA position 2673, C replaced by G.
Protein change: p.Asp891Glu; replaces aspartic acid 891 with glutamic acid.
Molecular consequence: missense variant.
Genome position (GRCh38, 1-based): chr8:105,802,755, C>G. VCF-style: chr8-105802755-C-G. GRCh37 (hg19) VCF-style: chr8-106814983-C-G.
Other names: c.2673C>G (NM_012082.3); c.2514C>G, p.Asp838Glu (NM_001362836.2); c.2277C>G, p.Asp759Glu (NM_001362837.2); short protein forms D759E, D838E, D891E.
Identifiers: ClinVar variation 2838011 (VCV002838011.5), dbSNP rs567353284, ClinGen allele CA4839942.
Genomic context (GRCh38, chr8:105,802,755, plus strand): 5'-CCACAAGCAGAATTTCTGCCCGGTTACTGCACATCAGCGTAATGACCTGGGTCAACTGGA[C>G]GGCAAAGTGTTTCCGAATCCAGAAAGCGAACGAAACAGCCCTGATGTCAGCTACGAAAGA-3'
Protein context (NP_036214.2, residues 881-901): AHQRNDLGQL[Asp891Glu]GKVFPNPESE